The following is an entry in ClinVar:

NM_013436.5(NCKAP1):c.605C>T (p.Ser202Phe)

Gene: NCKAP1 (NCK associated protein 1; minus strand). Cytogenetic location: 2q32.1.
Variant type: single nucleotide variant.
Coding change: c.605C>T on transcript NM_013436.5 (MANE Select); coding-DNA position 605, C replaced by T.
Protein change: p.Ser202Phe; replaces serine 202 with phenylalanine.
Molecular consequence: missense variant.
Genome position (GRCh38, 1-based): chr2:182,995,837, G>A on the plus strand (C>T on the coding strand, the complement: NCKAP1 is on the minus strand). VCF-style: chr2-182995837-G-A. GRCh37 (hg19) VCF-style: chr2-183860565-G-A.
Other names: c.599C>T, p.Ser200Phe (NM_001437266.1); c.617C>T, p.Ser206Phe (NM_001437267.1); c.623C>T, p.Ser208Phe (NM_205842.3); short protein forms S200F, S202F, S206F, S208F.
Identifiers: ClinVar variation 4685329 (VCV004685329.1).

ClinVar aggregate classification (germline): Uncertain significance (1 of 4 stars; one submission).

Submission:

GeneDx
Classification: Uncertain significance. Last evaluated: 2025-07-09. Review status: criteria provided, single submitter. Criteria: GeneDx Variant Classification Process June 2021. Collection method: clinical testing. Allele origin: germline. Affected: yes.
Comment: Not observed at significant frequency in large population cohorts (gnomAD); In silico analysis suggests that this missense variant does not alter protein structure/function; Has not been previously published as pathogenic or benign to our knowledge